The following is an entry in ClinVar:

ClinVar aggregate classification (germline): Uncertain significance. Review status: criteria provided, multiple submitters, no conflicts (2 of 4 stars). 4 submissions from 4 submitters: Uncertain significance (4). Last evaluated 2026-01-26.

Conditions:
Hereditary cancer-predisposing syndrome. Also called: Tumor predisposition; Neoplastic Syndromes, Hereditary; Hereditary Cancer Syndrome; Hereditary neoplastic syndrome. Identifiers: Orphanet 140162, MedGen C0027672, MeSH D009386, MONDO:0015356.
Hereditary diffuse gastric adenocarcinoma (HDGC). Also called: DIFFUSE GASTRIC AND LOBULAR BREAST CANCER SYNDROME. Identifiers: Orphanet 26106, MedGen C1708349, MONDO:0007648, OMIM 137215.

gnomAD v4.1: 2 of 1,614,056 alleles (0.00012%); highest among the groups gnomAD compares: Admixed American, 0.0033%; no homozygotes.

Submissions (4):

Labcorp Genetics (formerly Invitae), Labcorp
Classification: Uncertain significance for Hereditary diffuse gastric adenocarcinoma. Last evaluated: 2026-01-26. Review status: criteria provided, single submitter. Criteria: Invitae Variant Classification Sherloc (09022015). Collection method: clinical testing. Allele origin: germline.
Comment: This sequence change replaces glycine, which is neutral and non-polar, with arginine, which is basic and polar, at codon 203 of the CDH1 protein (p.Gly203Arg). This variant is present in population databases (no rsID available, gnomAD 0.003%). This variant has not been reported in the literature in individuals affected with CDH1-related conditions. ClinVar contains an entry for this variant (Variation ID: 628690). An algorithm developed to predict the effect of missense changes on protein structure and function (PolyPhen-2) suggests that this variant is likely to be disruptive. In summary, the available evidence is currently insufficient to determine the role of this variant in disease. Therefore, it has been classified as a Variant of Uncertain Significance.

Quest Diagnostics Nichols Institute San Juan Capistrano
Classification: Uncertain significance. Last evaluated: 2025-09-15. Review status: criteria provided, single submitter. Criteria: Quest Diagnostics criteria. Collection method: clinical testing. Allele origin: unknown.
Comment: The CDH1 c.607G>C (p.Gly203Arg) variant has been reported in the published literature in an individual affected with breast cancer (PMID: 31206626 (2019)). The frequency of this variant in the general population (Genome Aggregation Database) is uninformative in the assessment of its pathogenicity. Analysis of this variant using bioinformatics tools for the prediction of the effect of amino acid changes on protein structure and function yielded predictions that this variant is damaging. Based on the available information, we are unable to determine the clinical significance of this variant.

Ambry Genetics
Classification: Uncertain significance for Hereditary cancer-predisposing syndrome. Last evaluated: 2025-03-18. Review status: criteria provided, single submitter. Criteria: Ambry Variant Classification Scheme 2023. Collection method: clinical testing. Allele origin: germline.
Comment: The p.G203R variant (also known as c.607G>C), located in coding exon 5 of the CDH1 gene, results from a G to C substitution at nucleotide position 607. This variant was detected in 1/1054 Hispanic BRCA1/2-negative probands with hereditary breast cancer and 0/1189 controls (Weitzel JN et al. Cancer, 2019 Aug;125:2829-2836). The glycine at codon 203 is replaced by arginine, an amino acid with dissimilar properties. This amino acid position is well conserved in available vertebrate species. In addition, the in silico prediction for this alteration is inconclusive. Based on the available evidence, the clinical significance of this variant remains unclear.

Color Diagnostics, LLC DBA Color Health
Classification: Uncertain significance for Hereditary cancer-predisposing syndrome. Last evaluated: 2018-12-13. Review status: criteria provided, single submitter. Criteria: ACMG Guidelines, 2015. Collection method: clinical testing. Allele origin: germline.

Literature cited by the submitters: PubMed 31206626 (cited by Quest Diagnostics Nichols Institute San Juan Capistrano and Ambry Genetics).

NM_004360.5(CDH1):c.607G>C (p.Gly203Arg)

Gene: CDH1 (cadherin 1; plus strand). Cytogenetic location: 16q22.1.
Variant type: single nucleotide variant.
Coding change: c.607G>C on transcript NM_004360.5 (MANE Select); coding-DNA position 607, G replaced by C.
Protein change: p.Gly203Arg; replaces glycine 203 with arginine.
Molecular consequence: missense variant. On other transcripts: 5 prime UTR variant (2).
Genome position (GRCh38, 1-based): chr16:68,808,768, G>C. VCF-style: chr16-68808768-G-C. GRCh37 (hg19) VCF-style: chr16-68842671-G-C.
Other names: c.607G>C, p.Gly203Arg (NM_001317184.2); c.-1009G>C (NM_001317185.2); c.-1213G>C (NM_001317186.2); short protein forms G203R.
Identifiers: ClinVar variation 628690 (VCV000628690.15), dbSNP rs1215319435, ClinGen allele CA396458000.